The following is an entry in ClinVar:

NM_003200.5(TCF3):c.697C>G (p.Gln233Glu)

Gene: TCF3 (transcription factor 3; minus strand). Cytogenetic location: 19p13.3.
Variant type: single nucleotide variant.
Coding change: c.697C>G on transcript NM_003200.5 (MANE Select); coding-DNA position 697, C replaced by G.
Protein change: p.Gln233Glu; replaces glutamine 233 with glutamic acid.
Molecular consequence: missense variant.
Genome position (GRCh38, 1-based): chr19:1,622,179, G>C on the plus strand (C>G on the coding strand, the complement: TCF3 is on the minus strand). VCF-style: chr19-1622179-G-C. GRCh37 (hg19) VCF-style: chr19-1622178-G-C.
Other names: c.697C>G, p.Gln233Glu (NM_001136139.4, NM_001351778.2, NM_001351779.2); short protein forms Q233E.
Identifiers: ClinVar variation 1514224 (VCV001514224.7), dbSNP rs1049210855, ClinGen allele CA304103621.

ClinVar aggregate classification (germline): Uncertain significance. Review status: criteria provided, multiple submitters, no conflicts (2 of 4 stars). 2 submissions from 2 submitters: Uncertain significance (2). Last evaluated 2025-12-30.

Allele frequency attached by ClinVar (database versions not stated): gnomAD 0.00001; gnomAD exomes 0.00001; TOPMed 0.00001.
gnomAD v4.1: 11 of 1,569,000 alleles (0.0007%); highest among the groups gnomAD compares: Non-Finnish European, 0.00095%; no homozygotes.

Submissions (2):

Labcorp Genetics (formerly Invitae), Labcorp
Classification: Uncertain significance. Last evaluated: 2025-12-30. Review status: criteria provided, single submitter. Criteria: Invitae Variant Classification Sherloc (09022015). Collection method: clinical testing. Allele origin: germline.
Comment: This sequence change replaces glutamine, which is neutral and polar, with glutamic acid, which is acidic and polar, at codon 233 of the TCF3 protein (p.Gln233Glu). The frequency data for this variant in the population databases is considered unreliable, as metrics indicate poor data quality at this position in the gnomAD database. This variant has not been reported in the literature in individuals affected with TCF3-related conditions. ClinVar contains an entry for this variant (Variation ID: 1514224). Invitae Evidence Modeling of protein sequence and biophysical properties (such as structural, functional, and spatial information, amino acid conservation, physicochemical variation, residue mobility, and thermodynamic stability) indicates that this missense variant is expected to disrupt TCF3 protein function with a positive predictive value of 80%. In summary, the available evidence is currently insufficient to determine the role of this variant in disease. Therefore, it has been classified as a Variant of Uncertain Significance.

Blueprint Genetics
Classification: Uncertain significance. Last evaluated: 2024-02-09. Review status: criteria provided, single submitter. Criteria: ACMG Guidelines, 2015. Collection method: clinical testing. Allele origin: germline.